The following is an entry in ClinVar:

ClinVar aggregate classification (germline): Uncertain significance (1 of 4 stars; one submission).

Conditions:
Gastrointestinal stromal tumor. Also called: Gastrointestinal stromal tumor, somatic; Gastrointestinal stroma tumor. Identifiers: Orphanet 44890, MedGen C0238198, MeSH D046152, MONDO:0011719, OMIM 606764, HP:0100723.

Submission:

Labcorp Genetics (formerly Invitae), Labcorp
Classification: Uncertain significance for Gastrointestinal stromal tumor. Last evaluated: 2020-03-22. Review status: criteria provided, single submitter. Criteria: Invitae Variant Classification Sherloc (09022015). Collection method: clinical testing. Allele origin: germline.
Comment: This sequence change replaces glutamine with lysine at codon 58 of the PDGFRA protein (p.Gln58Lys). The glutamine residue is moderately conserved and there is a small physicochemical difference between glutamine and lysine. This variant is not present in population databases (ExAC no frequency). This variant has not been reported in the literature in individuals with PDGFRA-related conditions. Algorithms developed to predict the effect of missense changes on protein structure and function output the following: SIFT: "Tolerated"; PolyPhen-2: "Benign"; Align-GVGD: "Class C0". The lysine amino acid residue is found in multiple mammalian species, suggesting that this missense change does not adversely affect protein function. These predictions have not been confirmed by published functional studies and their clinical significance is uncertain. In summary, the available evidence is currently insufficient to determine the role of this variant in disease. Therefore, it has been classified as a Variant of Uncertain Significance.

NM_006206.6(PDGFRA):c.172C>A (p.Gln58Lys)

Gene: PDGFRA (platelet derived growth factor receptor alpha; plus strand). Cytogenetic location: 4q12.
Variant type: single nucleotide variant.
Coding change: c.172C>A on transcript NM_006206.6 (MANE Select); coding-DNA position 172, C replaced by A.
Protein change: p.Gln58Lys; replaces glutamine 58 with lysine.
Molecular consequence: missense variant.
Genome position (GRCh38, 1-based): chr4:54,261,217, C>A. VCF-style: chr4-54261217-C-A. GRCh37 (hg19) VCF-style: chr4-55127384-C-A.
Other names: c.172C>A, p.Gln58Lys (NM_001347827.2, NM_001347829.2); c.247C>A, p.Gln83Lys (NM_001347828.2); c.211C>A, p.Gln71Lys (NM_001347830.2); short protein forms Q71K, Q83K, Q58K.
Identifiers: ClinVar variation 1044873 (VCV001044873.9), dbSNP rs1722686558, ClinGen allele CA356888406.